The following is an entry in ClinVar:

ClinVar aggregate classification (germline): Benign/Likely benign. Review status: criteria provided, multiple submitters, no conflicts (2 of 4 stars). 7 submissions from 7 submitters: Benign (3); Likely benign (3). 1 of the submissions does not count toward it. Last evaluated 2026-03-01.

Conditions:
Beckwith-Wiedemann syndrome (BWS). Also called: EMG SYNDROME; Exomphalos macroglossia gigantism syndrome. Identifiers: Orphanet 116, MedGen C0004903, MONDO:0007534, OMIM 130650.
IMAGe syndrome. Also called: Intrauterine growth retardation, metaphyseal dysplasia, adrenal hypoplasia congenita, and genital anomalies; Intrauterine Growth Restriction, Metaphyseal Dysplasia, Adrenal Hypoplasia Congenita, and Genital Anomalies. Identifiers: Orphanet 85173, MedGen C1846009, MONDO:0013873, OMIM 614732.

Allele frequency attached by ClinVar (database versions not stated): gnomAD exomes 0.00052 and 0.00022; 1000 Genomes Project 30x 0.00078; 1000 Genomes Project 0.00100; ExAC 0.00128; gnomAD 0.00188 and 0.00208; TOPMed 0.00219; ESP Exome Variant Server 0.00224.

Submissions (7):

CeGaT Center for Human Genetics Tuebingen
Classification: Likely benign. Last evaluated: 2026-03-01. Review status: criteria provided, single submitter. Criteria: CeGaT Center For Human Genetics Tuebingen Variant Classification Criteria Version 2. Collection method: clinical testing. Allele origin: germline. Affected: yes. Observed: 4 variant alleles.
Comment: CDKN1C: BP4, BP7

Labcorp Genetics (formerly Invitae), Labcorp
Classification: Benign for Beckwith-Wiedemann syndrome. Last evaluated: 2026-01-26. Review status: criteria provided, single submitter. Criteria: Invitae Variant Classification Sherloc (09022015). Collection method: clinical testing. Allele origin: germline.

Blueprint Genetics
Classification: Likely benign. Last evaluated: 2024-11-05. Review status: criteria provided, single submitter. Criteria: ACMG Guidelines, 2015. Collection method: clinical testing. Allele origin: germline.

Fulgent Genetics
Classification: Likely benign for Beckwith-Wiedemann syndrome; IMAGe syndrome. Last evaluated: 2021-07-08. Review status: criteria provided, single submitter. Criteria: ACMG Guidelines, 2015. Collection method: clinical testing. Allele origin: unknown.

Sema4
Classification: Benign for Beckwith-Wiedemann syndrome. Last evaluated: 2021-01-31. Review status: criteria provided, single submitter. Criteria: Sema4 Curation Guidelines. Collection method: curation. Allele origin: germline.

PreventionGenetics, part of Exact Sciences
Classification: Benign. Review status: criteria provided, single submitter. Criteria: ACMG Guidelines, 2015. Collection method: clinical testing. Allele origin: germline.

Genetic Services Laboratory, University of Chicago
Classification: Likely benign. Last evaluated: 2022-06-20. Review status: no assertion criteria provided. Collection method: clinical testing. Allele origin: germline. Affected: no. Not counted in ClinVar's aggregate classification.

NM_001122630.2(CDKN1C):c.99C>T (p.Arg33=)

Gene: CDKN1C (cyclin dependent kinase inhibitor 1C; minus strand). Cytogenetic location: 11p15.4.
Variant type: single nucleotide variant.
Coding change: c.99C>T on transcript NM_001122630.2 (MANE Select); coding-DNA position 99, C replaced by T.
Protein change: p.Arg33=; no amino-acid change (arginine 33 retained).
Molecular consequence: synonymous variant.
Genome position (GRCh38, 1-based): chr11:2,885,358, G>A on the plus strand (C>T on the coding strand, the complement: CDKN1C is on the minus strand). VCF-style: chr11-2885358-G-A. GRCh37 (hg19) VCF-style: chr11-2906588-G-A.
Other names: c.132C>T, p.Arg44= (LRG_533t1, NM_000076.2, NM_001362474.2); c.99C>T, p.Arg33= (NM_001122631.2, NM_001362475.2).
Identifiers: ClinVar variation 236949 (VCV000236949.31), dbSNP rs149717696, ClinGen allele CA5822239.